The following is an entry in ClinVar:

NM_004183.4(BEST1):c.624G>A (p.Gln208=)

Gene: BEST1 (bestrophin 1; plus strand). Cytogenetic location: 11q12.3.
Variant type: single nucleotide variant.
Coding change: c.624G>A on transcript NM_004183.4 (MANE Select); coding-DNA position 624, G replaced by A.
Protein change: p.Gln208=; no amino-acid change (glutamine 208 retained).
Molecular consequence: synonymous variant. On other transcripts: non-coding transcript variant (1).
Genome position (GRCh38, 1-based): chr11:61,956,986, G>A. VCF-style: chr11-61956986-G-A. GRCh37 (hg19) VCF-style: chr11-61724458-G-A.
Other names: c.444G>A, p.Gln148= (NM_001139443.3, NM_001300786.2, NM_001300787.2); c.306G>A, p.Gln102= (NM_001363591.3); c.624G>A, p.Gln208= (NM_001363592.2); c.-552G>A (NM_001363593.3).
Identifiers: ClinVar variation 99729 (VCV000099729.20), dbSNP rs150247275, ClinGen allele CA227787.
Genomic context (GRCh38, chr11:61,956,986, plus strand): 5'-TGCCAACCTGTCAATGAAGGCGTGGCTTGGAGGTCGAATCCGGGACCCTATCCTGCTCCA[G>A]AGCCTGCTGAACGTGAGCCCACTGTACAGACAGGGCTGCCGCAGAGTGGGAAGGGCTGTG-3'
Protein context (NP_004174.1, residues 198-218): GGRIRDPILL[Gln208=]SLLNEMNTLR

ClinVar aggregate classification (germline): Conflicting classifications of pathogenicity. Review status: criteria provided, conflicting classifications (1 of 4 stars). 8 submissions from 8 submitters: Uncertain significance (1); Benign (1); Likely benign (2). 4 of the submissions do not count toward it. Last evaluated 2025-09-30.

Conditions:
Retinal dystrophy. Also called: Inherited retinal dystrophy. Identifiers: Orphanet 71862, MedGen C0854723, MeSH D058499, MONDO:0019118, HP:0000556.
BEST1-related disorder. Also called: BEST1-related disorders; BEST1-related condition. Identifiers: MedGen CN239200.

Allele frequency attached by ClinVar (database versions not stated): 1000 Genomes Project 30x 0.00016; 1000 Genomes Project 0.00020; TOPMed 0.00030; ESP Exome Variant Server 0.00031; gnomAD exomes 0.00094 and 0.00134; ExAC 0.00107; gnomAD 0.00111 and 0.00114.
gnomAD v4.1: 1,515 of 1,614,158 alleles (0.094%); highest among the groups gnomAD compares: Non-Finnish European, 0.067%; 7 homozygotes.

Submissions (8):

Labcorp Genetics (formerly Invitae), Labcorp
Classification: Benign. Last evaluated: 2025-09-30. Review status: criteria provided, single submitter. Criteria: Invitae Variant Classification Sherloc (09022015). Collection method: clinical testing. Allele origin: germline.

Blueprint Genetics
Classification: Likely benign. Last evaluated: 2024-11-07. Review status: criteria provided, single submitter. Criteria: ACMG Guidelines, 2015. Collection method: clinical testing. Allele origin: germline.

Institute of Human Genetics, Univ. Regensburg, Univ. Regensburg
Classification: Likely benign for Retinal dystrophy. Last evaluated: 2020-01-01. Review status: criteria provided, single submitter. Criteria: ACMG Guidelines, 2015. Collection method: clinical testing. Allele origin: germline. Affected: yes.

Eurofins Ntd Llc (ga)
Classification: Uncertain significance. Last evaluated: 2015-03-10. Review status: criteria provided, single submitter. Criteria: EGL Classification Definitions 2015. Collection method: clinical testing. Allele origin: germline. Observed: 1 variant allele, 1 heterozygote.

PreventionGenetics, part of Exact Sciences
Classification: Benign for BEST1-related condition. Last evaluated: 2024-08-14. Review status: no assertion criteria provided. Collection method: clinical testing. Allele origin: germline. Not counted in ClinVar's aggregate classification.
Comment: This variant is classified as benign based on ACMG/AMP sequence variant interpretation guidelines (Richards et al. 2015 PMID: 25741868, with internal and published modifications).

Clinical Genetics DNA and cytogenetics Diagnostics Lab, Erasmus MC, Erasmus Medical Center
Classification: Likely benign. Review status: no assertion criteria provided. Collection method: clinical testing. Allele origin: germline. Affected: yes. Study: VKGL Data-share Consensus. Not counted in ClinVar's aggregate classification.

Clinical Genetics, Academic Medical Center
Classification: Benign. Review status: no assertion criteria provided. Collection method: clinical testing. Allele origin: germline. Affected: yes. Study: VKGL Data-share Consensus. Not counted in ClinVar's aggregate classification.

Retina International
No classification provided. Review status: no classification provided. Collection method: not provided. Allele origin: unknown. Not counted in ClinVar's aggregate classification.

Literature cited by the submitters: PubMed 14517959 (cited by Institute of Human Genetics, Univ. Regensburg, Univ. Regensburg); PubMed 2848834 (cited by Institute of Human Genetics, Univ. Regensburg, Univ. Regensburg).